The following is an entry in ClinVar:

NM_001257291.2(SLC9A7):c.923C>T (p.Ala308Val)

Gene: SLC9A7 (solute carrier family 9 member A7; minus strand). Cytogenetic location: Xp11.3.
Variant type: single nucleotide variant.
Coding change: c.923C>T on transcript NM_001257291.2 (MANE Select); coding-DNA position 923, C replaced by T.
Protein change: p.Ala308Val; replaces alanine 308 with valine.
Molecular consequence: missense variant.
Genome position (GRCh38, 1-based): chrX:46,662,134, G>A on the plus strand (C>T on the coding strand, the complement: SLC9A7 is on the minus strand). VCF-style: chrX-46662134-G-A. GRCh37 (hg19) VCF-style: chrX-46521569-G-A.
Other names: c.923C>T, p.Ala308Val (NM_032591.3); short protein forms A308V.
Identifiers: ClinVar variation 1301377 (VCV001301377.1), dbSNP rs146304021, ClinGen allele CA10393987.

ClinVar aggregate classification (germline): Uncertain significance (1 of 4 stars; one submission).

Allele frequency attached by ClinVar (database versions not stated): ExAC 0.00003; TOPMed 0.00007; gnomAD 0.00008 and 0.00009; ESP Exome Variant Server 0.00009.
gnomAD v4.1: 37 of 1,206,183 alleles (0.0031%); highest among the groups gnomAD compares: Middle Eastern, 0.023%; no homozygotes.

Submission:

Women's Health and Genetics/Laboratory Corporation of America, LabCorp
Classification: Uncertain significance. Last evaluated: 2021-09-21. Review status: criteria provided, single submitter. Criteria: LabCorp Variant Classification Summary - May 2015. Collection method: clinical testing. Allele origin: germline.
Comment: Variant summary: SLC9A7 c.923C>T (p.Ala308Val) results in a non-conservative amino acid change located in the Cation/H+ exchanger domain of the encoded protein sequence. Three of five in-silico tools predict a benign effect of the variant on protein function. The variant allele was found at a frequency of 1.7e-05 in 177782 control chromosomes. The available data on variant occurrences in the general population are insufficient to allow any conclusion about variant significance. To our knowledge, no occurrence of c.923C>T in individuals affected with Intellectual Developmental Disorder, X-Linked 108 and no experimental evidence demonstrating its impact on protein function have been reported. No clinical diagnostic laboratories have submitted clinical-significance assessments for this variant to ClinVar after 2014. Based on the evidence outlined above, the variant was classified as uncertain significance.